The following is an entry in ClinVar:

ClinVar aggregate classification (germline): Uncertain significance (1 of 4 stars; one submission).

Conditions:
Hereditary cancer-predisposing syndrome. Also called: Neoplastic Syndromes, Hereditary; Hereditary neoplastic syndrome; Tumor predisposition; Hereditary Cancer Syndrome. Identifiers: Orphanet 140162, MedGen C0027672, MeSH D009386, MONDO:0015356.

Submission:

Ambry Genetics
Classification: Uncertain significance for Hereditary cancer-predisposing syndrome. Last evaluated: 2026-02-16. Review status: criteria provided, single submitter. Criteria: Ambry Variant Classification Scheme 2023. Collection method: clinical testing. Allele origin: germline.
Comment: The p.Q2100E variant (also known as c.6298C>G), located in coding exon 10 of the BRCA2 gene, results from a C to G substitution at nucleotide position 6298. The glutamine at codon 2100 is replaced by glutamic acid, an amino acid with highly similar properties. This amino acid position is conserved. In addition, this alteration is predicted to be tolerated by in silico analysis. Based on the available evidence, the clinical significance of this variant remains unclear.

NM_000059.4(BRCA2):c.6298C>G (p.Gln2100Glu)

Gene: BRCA2 (BRCA2 DNA repair associated; plus strand). Cytogenetic location: 13q13.1.
Variant type: single nucleotide variant.
Coding change: c.6298C>G on transcript NM_000059.4 (MANE Select); coding-DNA position 6298, C replaced by G.
Protein change: p.Gln2100Glu; replaces glutamine 2100 with glutamic acid.
Molecular consequence: missense variant. On other transcripts: non-coding transcript variant (1), intron variant (2).
Genome position (GRCh38, 1-based): chr13:32,340,653, C>G. VCF-style: chr13-32340653-C-G. GRCh37 (hg19) VCF-style: chr13-32914790-C-G.
Other names: c.6298C>G, p.Gln2100Glu (NM_001406719.1, NM_001406720.1, NM_001432077.1); c.1910-3905C>G (NM_001406721.1); c.425-3905C>G (NM_001406722.1); short protein forms Q2100E.
Identifiers: ClinVar variation 4824553 (VCV004824553.1).